The following is an entry in ClinVar:

NM_001378778.1(MPDZ):c.4192C>T (p.Leu1398Phe)

Gene: MPDZ (multiple PDZ domain crumbs cell polarity complex component; minus strand). Cytogenetic location: 9p23.
Variant type: single nucleotide variant.
Coding change: c.4192C>T on transcript NM_001378778.1 (MANE Select); coding-DNA position 4192, C replaced by T.
Protein change: p.Leu1398Phe; replaces leucine 1398 with phenylalanine.
Molecular consequence: missense variant.
Genome position (GRCh38, 1-based): chr9:13,137,965, G>A on the plus strand (C>T on the coding strand, the complement: MPDZ is on the minus strand). VCF-style: chr9-13137965-G-A. GRCh37 (hg19) VCF-style: chr9-13137964-G-A.
Other names: c.4093C>T, p.Leu1365Phe (NM_001261406.2, NM_001261407.2, NM_001375416.1 and 3 more transcripts); c.4192C>T, p.Leu1398Phe (NM_001330637.2, NM_001375413.1, NM_003829.5); c.3982C>T, p.Leu1328Phe (NM_001375420.1, NM_001375421.1, NM_001375422.1 and 4 more transcripts); c.3784C>T, p.Leu1262Phe (NM_001375427.1); short protein forms L1262F, L1365F, L1328F, L1398F.
Identifiers: ClinVar variation 1401316 (VCV001401316.6), dbSNP rs534991500, ClinGen allele CA372949047.
Genomic context (GRCh38, chr9:13,137,965, plus strand): 5'-CCATTACCCTTATAAAACAAGAATAAATTCAAAATTTTCCACAAAAACTTACCTCTAGAA[G>A]CTCATCTGCAATTTGCAATCGACCATCTTTTCCTGCAGCTCCATTTGGATCAATCCCCAC-3'
Protein context (NP_001365707.1, residues 1388-1408): KDGRLQIADE[Leu1398Phe]LEINGQILYG

ClinVar aggregate classification (germline): Uncertain significance (1 of 4 stars; one submission).

gnomAD v4.1: 1 of 1,613,626 alleles (0.000062%); highest among the groups gnomAD compares: Admixed American, 0.0017%; no homozygotes.

Submission:

Labcorp Genetics (formerly Invitae), Labcorp
Classification: Uncertain significance. Last evaluated: 2025-04-07. Review status: criteria provided, single submitter. Criteria: Invitae Variant Classification Sherloc (09022015). Collection method: clinical testing. Allele origin: germline.
Comment: This sequence change replaces leucine, which is neutral and non-polar, with phenylalanine, which is neutral and non-polar, at codon 1398 of the MPDZ protein (p.Leu1398Phe). This variant is not present in population databases (gnomAD no frequency). This variant has not been reported in the literature in individuals affected with MPDZ-related conditions. ClinVar contains an entry for this variant (Variation ID: 1401316). An algorithm developed to predict the effect of missense changes on protein structure and function (PolyPhen-2) suggests that this variant is likely to be disruptive. In summary, the available evidence is currently insufficient to determine the role of this variant in disease. Therefore, it has been classified as a Variant of Uncertain Significance.